The following is an entry in ClinVar:

ClinVar aggregate classification (germline): Uncertain significance (1 of 4 stars; one submission).

Conditions:
Pyogenic arthritis-pyoderma gangrenosum-acne syndrome (PAPA). Also called: PAPA SYNDROME; FAMILIAL RECURRENT ARTHRITIS. Identifiers: Orphanet 69126, MedGen C1858361, MONDO:0011462, OMIM 604416.

Allele frequency attached by ClinVar (database versions not stated): gnomAD exomes below 0.00001; TOPMed below 0.00001.
gnomAD v4.1: 6 of 1,612,662 alleles (0.00037%); highest among the groups gnomAD compares: Non-Finnish European, 0.00051%; no homozygotes.

Submission:

Labcorp Genetics (formerly Invitae), Labcorp
Classification: Uncertain significance for Pyogenic arthritis-pyoderma gangrenosum-acne syndrome. Last evaluated: 2018-03-25. Review status: criteria provided, single submitter. Criteria: Invitae Variant Classification Sherloc (09022015). Collection method: clinical testing. Allele origin: germline.
Comment: This sequence change replaces isoleucine with valine at codon 265 of the PSTPIP1 protein (p.Ile265Val). The isoleucine residue is highly conserved and there is a small physicochemical difference between isoleucine and valine. This variant is not present in population databases (ExAC no frequency). This variant has not been reported in the literature in individuals with PSTPIP1-related disease. Algorithms developed to predict the effect of missense changes on protein structure and function (SIFT, PolyPhen-2, Align-GVGD) all suggest that this variant is likely to be tolerated, but these predictions have not been confirmed by published functional studies and their clinical significance is uncertain. In summary, the available evidence is currently insufficient to determine the role of this variant in disease. Therefore, it has been classified as a Variant of Uncertain Significance.

NM_003978.5(PSTPIP1):c.793A>G (p.Ile265Val)

Gene: PSTPIP1 (proline-serine-threonine phosphatase interacting protein 1; plus strand). Cytogenetic location: 15q24.3.
Variant type: single nucleotide variant.
Coding change: c.793A>G on transcript NM_003978.5 (MANE Select); coding-DNA position 793, A replaced by G.
Protein change: p.Ile265Val; replaces isoleucine 265 with valine.
Molecular consequence: missense variant.
Genome position (GRCh38, 1-based): chr15:77,032,349, A>G. VCF-style: chr15-77032349-A-G. GRCh37 (hg19) VCF-style: chr15-77324690-A-G.
Other names: c.793A>G (LRG_172t1); c.793A>G, p.Ile265Val (NM_001321135.2); c.766A>G, p.Ile256Val (NM_001321136.2); c.988A>G, p.Ile330Val (NM_001321137.1); short protein forms I265V, I330V, I256V.
Identifiers: ClinVar variation 580598 (VCV000580598.8), dbSNP rs1266616711, ClinGen allele CA393521142.